The following is an entry in ClinVar:

NM_001379200.1(TBX1):c.911T>C (p.Phe304Ser)

Gene: TBX1 (T-box transcription factor 1; plus strand). Cytogenetic location: 22q11.21.
Variant type: single nucleotide variant.
Coding change: c.911T>C on transcript NM_001379200.1 (MANE Select); coding-DNA position 911, T replaced by C.
Protein change: p.Phe304Ser; replaces phenylalanine 304 with serine.
Molecular consequence: missense variant.
Genome position (GRCh38, 1-based): chr22:19,765,801, T>C. VCF-style: chr22-19765801-T-C. GRCh37 (hg19) VCF-style: chr22-19753324-T-C.
Other names: c.884T>C, p.Phe295Ser (NM_005992.1, NM_080646.2, NM_080647.1); short protein forms F295S, F304S.
Identifiers: ClinVar variation 2801202 (VCV002801202.3), dbSNP rs1248532217, ClinGen allele CA410683675.

ClinVar aggregate classification (germline): Uncertain significance (1 of 4 stars; one submission).

Conditions:
DiGeorge syndrome. Also called: THIRD AND FOURTH PHARYNGEAL POUCH SYNDROME; Catch22. Identifiers: Orphanet 567, MedGen C0012236, MONDO:0008564, OMIM 188400.

Allele frequency attached by ClinVar (database versions not stated): gnomAD exomes below 0.00001.

Submission:

Labcorp Genetics (formerly Invitae), Labcorp
Classification: Uncertain significance for DiGeorge syndrome. Last evaluated: 2023-04-10. Review status: criteria provided, single submitter. Criteria: Invitae Variant Classification Sherloc (09022015). Collection method: clinical testing. Allele origin: germline.
Comment: This variant has not been reported in the literature in individuals affected with TBX1-related conditions. This sequence change replaces phenylalanine, which is neutral and non-polar, with serine, which is neutral and polar, at codon 295 of the TBX1 protein (p.Phe295Ser). This variant is present in population databases (no rsID available, gnomAD 0.003%). Advanced modeling of protein sequence and biophysical properties (such as structural, functional, and spatial information, amino acid conservation, physicochemical variation, residue mobility, and thermodynamic stability) performed at Invitae indicates that this missense variant is expected to disrupt TBX1 protein function. In summary, the available evidence is currently insufficient to determine the role of this variant in disease. Therefore, it has been classified as a Variant of Uncertain Significance.